The following is an entry in ClinVar:

NM_001197104.2(KMT2A):c.4799A>G (p.Glu1600Gly)

Gene: KMT2A (lysine methyltransferase 2A; plus strand). Cytogenetic location: 11q23.3.
Variant type: single nucleotide variant.
Coding change: c.4799A>G on transcript NM_001197104.2 (MANE Select); coding-DNA position 4799, A replaced by G.
Protein change: p.Glu1600Gly; replaces glutamic acid 1600 with glycine.
Molecular consequence: missense variant.
Genome position (GRCh38, 1-based): chr11:118,491,298, A>G. VCF-style: chr11-118491298-A-G. GRCh37 (hg19) VCF-style: chr11-118362013-A-G.
Other names: c.4898A>G, p.Glu1633Gly (NM_001412597.1); c.4799A>G, p.Glu1600Gly (NM_005933.4); short protein forms E1600G, E1633G.
Identifiers: ClinVar variation 4800536 (VCV004800536.1).

ClinVar aggregate classification (germline): Uncertain significance (1 of 4 stars; one submission).

Submission:

Labcorp Genetics (formerly Invitae), Labcorp
Classification: Uncertain significance. Last evaluated: 2025-10-03. Review status: criteria provided, single submitter. Criteria: Invitae Variant Classification Sherloc (09022015). Collection method: clinical testing. Allele origin: germline.
Comment: This sequence change replaces glutamic acid, which is acidic and polar, with glycine, which is neutral and non-polar, at codon 1600 of the KMT2A protein (p.Glu1600Gly). This variant is not present in population databases (gnomAD no frequency). This variant has not been reported in the literature in individuals affected with KMT2A-related conditions. Invitae Evidence Modeling of protein sequence and biophysical properties (such as structural, functional, and spatial information, amino acid conservation, physicochemical variation, residue mobility, and thermodynamic stability) indicates that this missense variant is expected to disrupt KMT2A protein function with a positive predictive value of 95%. In summary, the available evidence is currently insufficient to determine the role of this variant in disease. Therefore, it has been classified as a Variant of Uncertain Significance.